The following is an entry in ClinVar:

NM_001365999.1(SZT2):c.9268C>T (p.Arg3090Cys)

Gene: SZT2 (SZT2 subunit of KICSTOR complex; plus strand). Cytogenetic location: 1p34.2.
Variant type: single nucleotide variant.
Coding change: c.9268C>T on transcript NM_001365999.1 (MANE Select); coding-DNA position 9268, C replaced by T.
Protein change: p.Arg3090Cys; replaces arginine 3090 with cysteine.
Molecular consequence: missense variant.
Genome position (GRCh38, 1-based): chr1:43,447,150, C>T. VCF-style: chr1-43447150-C-T. GRCh37 (hg19) VCF-style: chr1-43912821-C-T.
Other names: c.9097C>T, p.Arg3033Cys (NM_015284.4); short protein forms R3090C, R3033C.
Identifiers: ClinVar variation 3700404 (VCV003700404.2).
Genomic context (GRCh38, chr1:43,447,150, plus strand): 5'-CACCTCACCACCTTTCTGCGACACTTCCTGGCCCACCACCCTGACGGACCCCACTTTGGC[C>T]GCAATCACATTTACCAAGGTCAGTGCCCAAGGGCAAGCCAGTGAACCCAAAAAAGAACAG-3'
Protein context (NP_001352928.1, residues 3080-3100): AHHPDGPHFG[Arg3090Cys]NHIYQGTLEL

ClinVar aggregate classification (germline): Uncertain significance (1 of 4 stars; one submission).

gnomAD v4.1: 6 of 1,612,620 alleles (0.00037%); highest among the groups gnomAD compares: Non-Finnish European, 0.00034%; no homozygotes.

Submission:

Labcorp Genetics (formerly Invitae), Labcorp
Classification: Uncertain significance. Last evaluated: 2025-02-10. Review status: criteria provided, single submitter. Criteria: Invitae Variant Classification Sherloc (09022015). Collection method: clinical testing. Allele origin: germline.
Comment: This sequence change replaces arginine, which is basic and polar, with cysteine, which is neutral and slightly polar, at codon 3033 of the SZT2 protein (p.Arg3033Cys). This variant is present in population databases (rs758488419, gnomAD 0.0009%). This variant has not been reported in the literature in individuals affected with SZT2-related conditions. Invitae Evidence Modeling of protein sequence and biophysical properties (such as structural, functional, and spatial information, amino acid conservation, physicochemical variation, residue mobility, and thermodynamic stability) indicates that this missense variant is expected to disrupt SZT2 protein function with a positive predictive value of 80%. In summary, the available evidence is currently insufficient to determine the role of this variant in disease. Therefore, it has been classified as a Variant of Uncertain Significance.